The following is an entry in ClinVar:

NM_139076.3(ABRAXAS1):c.761T>C (p.Ile254Thr)

Gene: ABRAXAS1 (abraxas 1, BRCA1 A complex subunit; minus strand). Cytogenetic location: 4q21.23.
Variant type: single nucleotide variant.
Coding change: c.761T>C on transcript NM_139076.3 (MANE Select); coding-DNA position 761, T replaced by C.
Protein change: p.Ile254Thr; replaces isoleucine 254 with threonine.
Molecular consequence: missense variant.
Genome position (GRCh38, 1-based): chr4:83,463,529, A>G on the plus strand (T>C on the coding strand, the complement: ABRAXAS1 is on the minus strand). VCF-style: chr4-83463529-A-G. GRCh37 (hg19) VCF-style: chr4-84384682-A-G.
Other names: c.434T>C, p.Ile145Thr (NM_001345962.2); short protein forms I145T, I254T.
Identifiers: ClinVar variation 1799657 (VCV001799657.4), dbSNP rs369385726, ClinGen allele CA2990460.

ClinVar aggregate classification (germline): Uncertain significance. Review status: criteria provided, multiple submitters, no conflicts (2 of 4 stars). 2 submissions from 2 submitters: Uncertain significance (2). Last evaluated 2025-12-21.

Allele frequency attached by ClinVar (database versions not stated): TOPMed 0.00006; ESP Exome Variant Server 0.00015; 1000 Genomes Project 0.00020; gnomAD exomes below 0.00001; ExAC 0.00002; gnomAD 0.00005.
gnomAD v4.1: 13 of 1,611,076 alleles (0.00081%); highest among the groups gnomAD compares: African/African-American, 0.016%; no homozygotes.

Submissions (2):

Ambry Genetics
Classification: Uncertain significance. Last evaluated: 2025-12-21. Review status: criteria provided, single submitter. Criteria: Ambry Variant Classification Scheme 2023. Collection method: clinical testing. Allele origin: germline.
Comment: The p.I254T variant (also known as c.761T>C), located in coding exon 8 of the FAM175A gene, results from a T to C substitution at nucleotide position 761. The isoleucine at codon 254 is replaced by threonine, an amino acid with similar properties. This amino acid position is conserved. In addition, this alteration is predicted to be tolerated by in silico analysis. Since supporting evidence is limited at this time, the clinical significance of this alteration remains unclear.

Women's Health and Genetics/Laboratory Corporation of America, LabCorp
Classification: Uncertain significance. Last evaluated: 2025-09-03. Review status: criteria provided, single submitter. Criteria: LabCorp Variant Classification Summary - May 2015. Collection method: clinical testing. Allele origin: germline.
Comment: Variant summary: FAM175A c.761T>C (p.Ile254Thr) results in a non-conservative amino acid change in the encoded protein sequence. Algorithms developed to predict the effect of missense changes on protein structure and function are either unavailable or do not agree on the potential impact of this missense change. The variant allele was found at a frequency of 1.2e-05 in 249706 control chromosomes. The available data on variant occurrences in the general population are insufficient to allow any conclusion about variant significance. c.761T>C has been observed in at least one heterozygous individual with personal and/or family history of breast cancer without strong evidence for causality (e.g. Al-Kafaji_2023). These report(s) do not provide unequivocal conclusions about association of the variant with Hereditary Breast And Ovarian Cancer Syndrome. To our knowledge, no experimental evidence demonstrating an impact on protein function has been reported. The following publication has been ascertained in the context of this evaluation (PMID: 37656691). ClinVar contains an entry for this variant (Variation ID: 1799657). Based on the evidence outlined above, the variant was classified as uncertain significance.

Literature cited by the submitters: PubMed 37656691 (cited by Women's Health and Genetics/Laboratory Corporation of America, LabCorp).